The following is an entry in ClinVar:

NM_001382.4(DPAGT1):c.170C>T (p.Ser57Phe)

Genes: DPAGT1 (dolichyl-phosphate N-acetylglucosaminephosphotransferase 1; minus strand), LOC126861360 (BRD4-independent group 4 enhancer GRCh37_chr11:118972216-118973415; plus strand). Cytogenetic location: 11q23.3.
Variant type: single nucleotide variant.
Coding change: c.170C>T on transcript NM_001382.4 (MANE Select); coding-DNA position 170, C replaced by T.
Protein change: p.Ser57Phe; replaces serine 57 with phenylalanine.
Molecular consequence: missense variant.
Genome position (GRCh38, 1-based): chr11:119,101,130, G>A on the plus strand (C>T on the coding strand, the complement: DPAGT1 is on the minus strand). VCF-style: chr11-119101130-G-A. GRCh37 (hg19) VCF-style: chr11-118971840-G-A.
Other names: short protein forms S57F.
Identifiers: ClinVar variation 2950153 (VCV002950153.3), dbSNP rs2497524696, ClinGen allele CA382916107.
Genomic context (GRCh38, chr11:119,101,130, plus strand): 5'-GGGAAAGGGATGAAGCAGAAGAGGATGATAAGGAAAACAGCACCGCTGATCACTCCCTGG[G>A]ATTCTGGGCTGTGGCCCAGCAGCAAGGGGGCGAGGGGGAAGAGGAAAGGGGGCGTGGTCA-3'
Protein context (NP_001373.2, residues 47-67): NKTSRQQIPE[Ser57Phe]QGVISGAVFL

ClinVar aggregate classification (germline): Uncertain significance (1 of 4 stars; one submission).

Conditions:
DPAGT1-congenital disorder of glycosylation. Also called: DPAGT1-CDG; CONGENITAL DISORDER OF GLYCOSYLATION, TYPE Ij; CDG Ij. Identifiers: Orphanet 86309, MedGen C2931004, MONDO:0011964, OMIM 608093.
Congenital myasthenic syndrome 13 (CMS13). Also called: Myasthenic syndrome, congenital, 13, with tubular aggregates; Myasthenic syndrome, congenital, with tubular aggregates 2. Identifiers: Orphanet 353327, Orphanet 590, MedGen C3553645, MONDO:0013883, OMIM 614750.

Submission:

Labcorp Genetics (formerly Invitae), Labcorp
Classification: Uncertain significance for Congenital myasthenic syndrome 13; DPAGT1-congenital disorder of glycosylation. Last evaluated: 2023-07-21. Review status: criteria provided, single submitter. Criteria: Invitae Variant Classification Sherloc (09022015). Collection method: clinical testing. Allele origin: germline.
Comment: In summary, the available evidence is currently insufficient to determine the role of this variant in disease. Therefore, it has been classified as a Variant of Uncertain Significance. Advanced modeling of protein sequence and biophysical properties (such as structural, functional, and spatial information, amino acid conservation, physicochemical variation, residue mobility, and thermodynamic stability) has been performed at Invitae for this missense variant, however the output from this modeling did not meet the statistical confidence thresholds required to predict the impact of this variant on DPAGT1 protein function. This variant has not been reported in the literature in individuals affected with DPAGT1-related conditions. This variant is not present in population databases (gnomAD no frequency). This sequence change replaces serine, which is neutral and polar, with phenylalanine, which is neutral and non-polar, at codon 57 of the DPAGT1 protein (p.Ser57Phe).